The following is an entry in ClinVar:

NM_004329.3(BMPR1A):c.653G>C (p.Ser218Thr)

Gene: BMPR1A (bone morphogenetic protein receptor type 1A; plus strand). Cytogenetic location: 10q23.2.
Variant type: single nucleotide variant.
Coding change: c.653G>C on transcript NM_004329.3 (MANE Select); coding-DNA position 653, G replaced by C.
Protein change: p.Ser218Thr; replaces serine 218 with threonine.
Molecular consequence: missense variant.
Genome position (GRCh38, 1-based): chr10:86,912,362, G>C. VCF-style: chr10-86912362-G-C. GRCh37 (hg19) VCF-style: chr10-88672119-G-C.
Other names: short protein forms S218T.
Identifiers: ClinVar variation 662475 (VCV000662475.14), dbSNP rs752893921, ClinGen allele CA377455094.

ClinVar aggregate classification (germline): Uncertain significance. Review status: criteria provided, multiple submitters, no conflicts (2 of 4 stars). 3 submissions from 3 submitters: Uncertain significance (3). Last evaluated 2024-02-01.

Conditions:
Juvenile polyposis syndrome (JPS). Identifiers: Orphanet 2929, MedGen C0345893, MONDO:0017380, OMIM 174900.
Hereditary cancer-predisposing syndrome. Also called: Neoplastic Syndromes, Hereditary; Hereditary neoplastic syndrome; Tumor predisposition; Hereditary Cancer Syndrome. Identifiers: Orphanet 140162, MedGen C0027672, MeSH D009386, MONDO:0015356.

gnomAD v4.1: 2 of 1,614,044 alleles (0.00012%); highest among the groups gnomAD compares: Non-Finnish European, 0.00017%; no homozygotes.

Submissions (3):

Labcorp Genetics (formerly Invitae), Labcorp
Classification: Uncertain significance for Juvenile polyposis syndrome. Last evaluated: 2024-02-01. Review status: criteria provided, single submitter. Criteria: Invitae Variant Classification Sherloc (09022015). Collection method: clinical testing. Allele origin: germline.
Comment: This sequence change replaces serine, which is neutral and polar, with threonine, which is neutral and polar, at codon 218 of the BMPR1A protein (p.Ser218Thr). This variant is present in population databases (no rsID available, gnomAD 0.006%). This variant has not been reported in the literature in individuals affected with BMPR1A-related conditions. ClinVar contains an entry for this variant (Variation ID: 662475). Advanced modeling performed at Invitae incorporating data from internal and/or published experimental studies (Invitae) indicates that this missense variant is not expected to disrupt BMPR1A function with a negative predictive value of 95%. In summary, the available evidence is currently insufficient to determine the role of this variant in disease. Therefore, it has been classified as a Variant of Uncertain Significance.

All of Us Research Program, National Institutes of Health
Classification: Uncertain significance for Juvenile polyposis syndrome. Last evaluated: 2023-06-28. Review status: criteria provided, single submitter. Criteria: ACMG Guidelines, 2015. Collection method: clinical testing. Allele origin: germline. Inheritance: Autosomal dominant inheritance. Observed: 1 variant allele, 1 heterozygote.
Comment: This study involves interpretation of variants in research participants for the purpose of population health screening. Participant phenotype was not available at the time of variant classification. Additional details can be found in publication PMID: 35346344, PMCID: PMC8962531

Ambry Genetics
Classification: Uncertain significance for Hereditary cancer-predisposing syndrome. Last evaluated: 2022-04-21. Review status: criteria provided, single submitter. Criteria: Ambry Variant Classification Scheme 2023. Collection method: clinical testing. Allele origin: germline.
Comment: The p.S218T variant (also known as c.653G>C), located in coding exon 6 of the BMPR1A gene, results from a G to C substitution at nucleotide position 653. The serine at codon 218 is replaced by threonine, an amino acid with similar properties. This amino acid position is highly conserved in available vertebrate species. In addition, the in silico prediction for this alteration is inconclusive. Since supporting evidence is limited at this time, the clinical significance of this alteration remains unclear.